The following is an entry in ClinVar:

ClinVar aggregate classification (germline): Likely benign. Review status: criteria provided, multiple submitters, no conflicts (2 of 4 stars). 3 submissions from 3 submitters: Likely benign (3). Last evaluated 2024-06-25.

Allele frequency attached by ClinVar (database versions not stated): gnomAD 0.00001; ExAC 0.00002; gnomAD exomes 0.00002 and 0.00004; TOPMed 0.00002.
gnomAD v4.1: 27 of 1,608,638 alleles (0.0017%); highest among the groups gnomAD compares: East Asian, 0.058%; 1 homozygote.

Submissions (3):

Labcorp Genetics (formerly Invitae), Labcorp
Classification: Likely benign. Last evaluated: 2024-06-25. Review status: criteria provided, single submitter. Criteria: Invitae Variant Classification Sherloc (09022015). Collection method: clinical testing. Allele origin: germline.

Blueprint Genetics
Classification: Likely benign. Last evaluated: 2022-06-07. Review status: criteria provided, single submitter. Criteria: ACMG Guidelines, 2015. Collection method: clinical testing. Allele origin: germline.

GeneDx
Classification: Likely benign. Last evaluated: 2016-10-25. Review status: criteria provided, single submitter. Criteria: GeneDx Variant Classification (06012015). Collection method: clinical testing. Allele origin: germline. Affected: yes.
Comment: This variant is considered likely benign or benign based on one or more of the following criteria: it is a conservative change, it occurs at a poorly conserved position in the protein, it is predicted to be benign by multiple in silico algorithms, and/or has population frequency not consistent with disease.

NM_130837.3(OPA1):c.1377+9A>G

Gene: OPA1 (OPA1 mitochondrial dynamin like GTPase; plus strand). Cytogenetic location: 3q29.
Variant type: single nucleotide variant.
Coding change: c.1377+9A>G on transcript NM_130837.3 (MANE Select); 9 bases into the intron after coding-DNA position 1377, A replaced by G.
Molecular consequence: intron variant.
Genome position (GRCh38, 1-based): chr3:193,643,453, A>G. VCF-style: chr3-193643453-A-G. GRCh37 (hg19) VCF-style: chr3-193361242-A-G.
Other names: c.840+9A>G (NM_001354664.2); c.843+9A>G (NM_001354663.2); c.1266+9A>G (NM_130834.3); c.1323+9A>G (NM_130836.3); c.1212+9A>G (NM_015560.3); c.1269+9A>G (NM_130835.3); c.1158+9A>G (NM_130832.3); c.1215+9A>G (NM_130833.3); and 1 more.
Identifiers: ClinVar variation 388755 (VCV000388755.6), dbSNP rs759086025, ClinGen allele CA2759357.